The following is an entry in ClinVar:

ClinVar aggregate classification (germline): Uncertain significance (1 of 4 stars; one submission).

Allele frequency attached by ClinVar (database versions not stated): gnomAD exomes 0.00001; TOPMed 0.00001.
gnomAD v4.1: 16 of 1,612,634 alleles (0.00099%); highest among the groups gnomAD compares: Non-Finnish European, 0.0014%; no homozygotes.

Submission:

Labcorp Genetics (formerly Invitae), Labcorp
Classification: Uncertain significance. Last evaluated: 2022-01-01. Review status: criteria provided, single submitter. Criteria: Invitae Variant Classification Sherloc (09022015). Collection method: clinical testing. Allele origin: germline.
Comment: In summary, the available evidence is currently insufficient to determine the role of this variant in disease. Therefore, it has been classified as a Variant of Uncertain Significance. Algorithms developed to predict the effect of missense changes on protein structure and function (SIFT, PolyPhen-2, Align-GVGD) all suggest that this variant is likely to be tolerated. This variant has not been reported in the literature in individuals affected with TONSL-related conditions. This variant is present in population databases (no rsID available, gnomAD 0.0009%). This sequence change replaces glutamic acid, which is acidic and polar, with lysine, which is basic and polar, at codon 901 of the TONSL protein (p.Glu901Lys).

NM_013432.5(TONSL):c.2701G>A (p.Glu901Lys)

Genes: TONSL-AS1 (TONSL antisense RNA 1; plus strand), TONSL (tonsoku like, DNA repair protein; minus strand). Cytogenetic location: 8q24.3.
Variant type: single nucleotide variant.
Coding change: c.2701G>A on transcript NM_013432.5 (MANE Select); coding-DNA position 2701, G replaced by A.
Protein change: p.Glu901Lys; replaces glutamic acid 901 with lysine.
Molecular consequence: missense variant.
Genome position (GRCh38, 1-based): chr8:144,435,732, C>T on the plus strand (G>A on the coding strand, the complement: TONSL is on the minus strand). VCF-style: chr8-144435732-C-T. GRCh37 (hg19) VCF-style: chr8-145661115-C-T.
Other names: short protein forms E901K.
Identifiers: ClinVar variation 1921306 (VCV001921306.4), dbSNP rs1318324478, ClinGen allele CA372653126.